The following is an entry in ClinVar:

ClinVar aggregate classification (germline): Uncertain significance. Review status: criteria provided, multiple submitters, no conflicts (2 of 4 stars). 3 submissions from 3 submitters: Uncertain significance (3). Last evaluated 2025-02-18.

Conditions:
Hereditary cancer-predisposing syndrome. Also called: Hereditary neoplastic syndrome; Tumor predisposition; Neoplastic Syndromes, Hereditary; Hereditary Cancer Syndrome. Identifiers: Orphanet 140162, MedGen C0027672, MeSH D009386, MONDO:0015356.
Gorlin syndrome. Also called: Nevoid Basal Cell Carcinoma Syndrome; Basal cell nevus syndrome. Identifiers: Orphanet 377, MedGen C0004779, MONDO:0007187.

Submissions (3):

Ambry Genetics
Classification: Uncertain significance for Hereditary cancer-predisposing syndrome. Last evaluated: 2025-02-18. Review status: criteria provided, single submitter. Criteria: Ambry Variant Classification Scheme 2023. Collection method: clinical testing. Allele origin: germline.
Comment: The p.R1304G variant (also known as c.3910A>G), located in coding exon 23 of the PTCH1 gene, results from an A to G substitution at nucleotide position 3910. The arginine at codon 1304 is replaced by glycine, an amino acid with dissimilar properties. This amino acid position is highly conserved in available vertebrate species. In addition, the in silico prediction for this alteration is inconclusive. Based on the available evidence, the clinical significance of this variant remains unclear.

Labcorp Genetics (formerly Invitae), Labcorp
Classification: Uncertain significance for Gorlin syndrome. Last evaluated: 2024-01-17. Review status: criteria provided, single submitter. Criteria: Invitae Variant Classification Sherloc (09022015). Collection method: clinical testing. Allele origin: germline.
Comment: This sequence change replaces arginine, which is basic and polar, with glycine, which is neutral and non-polar, at codon 1304 of the PTCH1 protein (p.Arg1304Gly). This variant is not present in population databases (gnomAD no frequency). This variant has not been reported in the literature in individuals affected with PTCH1-related conditions. ClinVar contains an entry for this variant (Variation ID: 2449632). Advanced modeling of protein sequence and biophysical properties (such as structural, functional, and spatial information, amino acid conservation, physicochemical variation, residue mobility, and thermodynamic stability) performed at Invitae indicates that this missense variant is not expected to disrupt PTCH1 protein function with a negative predictive value of 95%. In summary, the available evidence is currently insufficient to determine the role of this variant in disease. Therefore, it has been classified as a Variant of Uncertain Significance.

Quest Diagnostics Nichols Institute San Juan Capistrano
Classification: Uncertain significance. Last evaluated: 2024-01-08. Review status: criteria provided, single submitter. Criteria: Quest Diagnostics criteria. Collection method: clinical testing. Allele origin: unknown.
Comment: The PTCH1 c.3910A>G (p.Arg1304Gly) variant has not been reported in individuals with PTCH1-related conditions in the published literature. It also has not been reported in large, multi-ethnic general populations (Genome Aggregation Database). Analysis of this variant using bioinformatics tools for the prediction of the effect of amino acid changes on protein structure and function yielded predictions that this variant is benign. Based on the available information, we are unable to determine the clinical significance of this variant.

NM_000264.5(PTCH1):c.3910A>G (p.Arg1304Gly)

Gene: PTCH1 (patched 1; minus strand). Cytogenetic location: 9q22.32.
Variant type: single nucleotide variant.
Coding change: c.3910A>G on transcript NM_000264.5 (MANE Select); coding-DNA position 3910, A replaced by G.
Protein change: p.Arg1304Gly; replaces arginine 1304 with glycine.
Molecular consequence: missense variant. On other transcripts: non-coding transcript variant (1).
Genome position (GRCh38, 1-based): chr9:95,447,346, T>C on the plus strand (A>G on the coding strand, the complement: PTCH1 is on the minus strand). VCF-style: chr9-95447346-T-C. GRCh37 (hg19) VCF-style: chr9-98209628-T-C.
Other names: c.3910A>G (NM_000264.4); c.3712A>G, p.Arg1238Gly (NM_001083602.3); c.3907A>G, p.Arg1303Gly (NM_001083603.3); c.3457A>G, p.Arg1153Gly (NM_001083604.3, NM_001083605.3, NM_001083606.3 and 1 more transcripts); c.3754A>G, p.Arg1252Gly (NM_001354918.2); short protein forms R1238G, R1304G, R1153G, R1252G, R1303G.
Identifiers: ClinVar variation 2449632 (VCV002449632.5), dbSNP rs2136582251, ClinGen allele CA374110681.
Genomic context (GRCh38, chr9:95,447,346, plus strand): 5'-CAAAAGCGTCTCTGCGCGGTCTGTAGGGGGGTGGCCACAAGCCTTCTCTGGGGGGGTCCC[T>C]GCGGGGCTGCTGGCCTTGCCGTCCGGGAGGCAGGGACCCTGAGTCCAGGTGGGGCTGCTG-3'
Protein context (NP_000255.2, residues 1294-1314): PPGRQGQQPR[Arg1304Gly]DPPREGLWPP